The following is an entry in ClinVar:

ClinVar aggregate classification (germline): Uncertain significance (1 of 4 stars; one submission).

Conditions:
Cardiovascular phenotype. Identifiers: MedGen CN230736.

Allele frequency attached by ClinVar (database versions not stated): gnomAD exomes below 0.00001.
gnomAD v4.1: 1 of 1,613,926 alleles (0.000062%); highest among the groups gnomAD compares: Non-Finnish European, 0.000085%; no homozygotes.

Submission:

Ambry Genetics
Classification: Uncertain significance for Cardiovascular phenotype. Last evaluated: 2023-01-22. Review status: criteria provided, single submitter. Criteria: Ambry Variant Classification Scheme 2023. Collection method: clinical testing. Allele origin: germline.
Comment: The p.M93I variant (also known as c.279G>A), located in coding exon 2 of the CASQ2 gene, results from a G to A substitution at nucleotide position 279. The methionine at codon 93 is replaced by isoleucine, an amino acid with highly similar properties. This amino acid position is conserved. In addition, this alteration is predicted to be tolerated by in silico analysis. Since supporting evidence is limited at this time, the clinical significance of this alteration remains unclear.

NM_001232.4(CASQ2):c.279G>A (p.Met93Ile)

Gene: CASQ2 (calsequestrin 2; minus strand). Cytogenetic location: 1p13.1.
Variant type: single nucleotide variant.
Coding change: c.279G>A on transcript NM_001232.4 (MANE Select); coding-DNA position 279, G replaced by A.
Protein change: p.Met93Ile; replaces methionine 93 with isoleucine.
Molecular consequence: missense variant.
Genome position (GRCh38, 1-based): chr1:115,744,868, C>T on the plus strand (G>A on the coding strand, the complement: CASQ2 is on the minus strand). VCF-style: chr1-115744868-C-T. GRCh37 (hg19) VCF-style: chr1-116287489-C-T.
Other names: short protein forms M93I.
Identifiers: ClinVar variation 2450448 (VCV002450448.2), dbSNP rs2526031912, ClinGen allele CA341765412.